The following is an entry in ClinVar:

ClinVar aggregate classification (germline): Uncertain significance (1 of 4 stars; one submission).

Allele frequency attached by ClinVar (database versions not stated): TOPMed below 0.00001; gnomAD 0.00001; gnomAD exomes 0.00001.
gnomAD v4.1: 4 of 1,613,740 alleles (0.00025%); highest among the groups gnomAD compares: Admixed American, 0.0067%; no homozygotes.

Submission:

Labcorp Genetics (formerly Invitae), Labcorp
Classification: Uncertain significance. Last evaluated: 2023-04-04. Review status: criteria provided, single submitter. Criteria: Invitae Variant Classification Sherloc (09022015). Collection method: clinical testing. Allele origin: germline.
Comment: In summary, the available evidence is currently insufficient to determine the role of this variant in disease. Therefore, it has been classified as a Variant of Uncertain Significance. This sequence change replaces proline, which is neutral and non-polar, with alanine, which is neutral and non-polar, at codon 4641 of the HMCN1 protein (p.Pro4641Ala). This variant is present in population databases (no rsID available, gnomAD 0.006%). This variant has not been reported in the literature in individuals affected with HMCN1-related conditions. An algorithm developed to predict the effect of missense changes on protein structure and function (PolyPhen-2) suggests that this variant is likely to be tolerated.

NM_031935.3(HMCN1):c.13921C>G (p.Pro4641Ala)

Gene: HMCN1 (hemicentin 1; plus strand). Cytogenetic location: 1q31.1.
Variant type: single nucleotide variant.
Coding change: c.13921C>G on transcript NM_031935.3 (MANE Select); coding-DNA position 13921, C replaced by G.
Protein change: p.Pro4641Ala; replaces proline 4641 with alanine.
Molecular consequence: missense variant.
Genome position (GRCh38, 1-based): chr1:186,137,969, C>G. VCF-style: chr1-186137969-C-G. GRCh37 (hg19) VCF-style: chr1-186107101-C-G.
Other names: short protein forms P4641A.
Identifiers: ClinVar variation 2784695 (VCV002784695.3), dbSNP rs1429333606, ClinGen allele CA343913157.